The following is an entry in ClinVar:

NM_001364905.1(LRBA):c.2402A>G (p.His801Arg)

Gene: LRBA (LPS responsive beige-like anchor protein; minus strand). Cytogenetic location: 4q31.3.
Variant type: single nucleotide variant.
Coding change: c.2402A>G on transcript NM_001364905.1 (MANE Select); coding-DNA position 2402, A replaced by G.
Protein change: p.His801Arg; replaces histidine 801 with arginine.
Molecular consequence: missense variant.
Genome position (GRCh38, 1-based): chr4:150,870,572, T>C on the plus strand (A>G on the coding strand, the complement: LRBA is on the minus strand). VCF-style: chr4-150870572-T-C. GRCh37 (hg19) VCF-style: chr4-151791724-T-C.
Other names: c.2402A>G, p.His801Arg (NM_001199282.3, NM_001367550.1, NM_006726.5); short protein forms H801R.
Identifiers: ClinVar variation 1060082 (VCV001060082.9), dbSNP rs1421679434, ClinGen allele CA358466361.

ClinVar aggregate classification (germline): Uncertain significance (1 of 4 stars; one submission).

Conditions:
Combined immunodeficiency due to LRBA deficiency. Also called: Common variable immunodeficiency 8, with autoimmunity. Identifiers: Orphanet 445018, MedGen C3553512, MONDO:0013863, OMIM 614700.

Allele frequency attached by ClinVar (database versions not stated): gnomAD exomes below 0.00001; TOPMed below 0.00001.
gnomAD v4.1: 5 of 1,590,894 alleles (0.00031%); highest among the groups gnomAD compares: South Asian, 0.0011%; no homozygotes.

Submission:

Labcorp Genetics (formerly Invitae), Labcorp
Classification: Uncertain significance for Combined immunodeficiency due to LRBA deficiency. Last evaluated: 2020-03-18. Review status: criteria provided, single submitter. Criteria: Invitae Variant Classification Sherloc (09022015). Collection method: clinical testing. Allele origin: germline.
Comment: This variant is not present in population databases (ExAC no frequency). This sequence change replaces histidine with arginine at codon 801 of the LRBA protein (p.His801Arg). The histidine residue is weakly conserved and there is a small physicochemical difference between histidine and arginine. This variant has not been reported in the literature in individuals with LRBA-related conditions. Algorithms developed to predict the effect of missense changes on protein structure and function output the following: SIFT: "Tolerated"; PolyPhen-2: "Benign"; Align-GVGD: "Class C0". The arginine amino acid residue is found in multiple mammalian species, suggesting that this missense change does not adversely affect protein function. These predictions have not been confirmed by published functional studies and their clinical significance is uncertain. In summary, the available evidence is currently insufficient to determine the role of this variant in disease. Therefore, it has been classified as a Variant of Uncertain Significance.